The following is an entry in ClinVar:

ClinVar aggregate classification (germline): Uncertain significance. Review status: criteria provided, multiple submitters, no conflicts (2 of 4 stars). 2 submissions from 2 submitters: Uncertain significance (2). Last evaluated 2025-12-16.

Conditions:
Inborn genetic diseases. Identifiers: MedGen C0950123, MeSH D030342.

Allele frequency attached by ClinVar (database versions not stated): gnomAD exomes below 0.00001; ExAC 0.00001; gnomAD 0.00001; TOPMed 0.00001.
gnomAD v4.1: 3 of 1,614,076 alleles (0.00019%); highest among the groups gnomAD compares: Admixed American, 0.0017%; no homozygotes.

Submissions (2):

Ambry Genetics
Classification: Uncertain significance for Inborn genetic diseases. Last evaluated: 2025-12-16. Review status: criteria provided, single submitter. Criteria: Ambry Variant Classification Scheme 2023. Collection method: clinical testing. Allele origin: germline.

Labcorp Genetics (formerly Invitae), Labcorp
Classification: Uncertain significance. Last evaluated: 2025-06-02. Review status: criteria provided, single submitter. Criteria: Invitae Variant Classification Sherloc (09022015). Collection method: clinical testing. Allele origin: germline.
Comment: This sequence change replaces serine, which is neutral and polar, with threonine, which is neutral and polar, at codon 1971 of the NBAS protein (p.Ser1971Thr). This variant is present in population databases (rs754178038, gnomAD 0.01%). This variant has not been reported in the literature in individuals affected with NBAS-related conditions. ClinVar contains an entry for this variant (Variation ID: 1370184). Invitae Evidence Modeling of protein sequence and biophysical properties (such as structural, functional, and spatial information, amino acid conservation, physicochemical variation, residue mobility, and thermodynamic stability) indicates that this missense variant is not expected to disrupt NBAS protein function with a negative predictive value of 95%. In summary, the available evidence is currently insufficient to determine the role of this variant in disease. Therefore, it has been classified as a Variant of Uncertain Significance.

NM_015909.4(NBAS):c.5912G>C (p.Ser1971Thr)

Gene: NBAS (NBAS subunit of NRZ tethering complex; minus strand). Cytogenetic location: 2p24.3.
Variant type: single nucleotide variant.
Coding change: c.5912G>C on transcript NM_015909.4 (MANE Select); coding-DNA position 5912, G replaced by C.
Protein change: p.Ser1971Thr; replaces serine 1971 with threonine.
Molecular consequence: missense variant. On other transcripts: non-coding transcript variant (1).
Genome position (GRCh38, 1-based): chr2:15,238,499, C>G on the plus strand (G>C on the coding strand, the complement: NBAS is on the minus strand). VCF-style: chr2-15238499-C-G. GRCh37 (hg19) VCF-style: chr2-15378623-C-G.
Other names: c.5912G>C (NM_015909.2); short protein forms S1971T.
Identifiers: ClinVar variation 1370184 (VCV001370184.6), dbSNP rs754178038, ClinGen allele CA1535177.
Genomic context (GRCh38, chr2:15,238,499, plus strand): 5'-TGAGCATATAGAAGTTCCCATTTCTTTACCTGCTCACTATTCTTCAGAGAAAGGATGAAG[C>G]TGTGGCTCAGGGTTTCCAGGTGGGCAAGTGATTTCTCCAGATGATTCAAAGTATCTGCAT-3'
Protein context (NP_056993.2, residues 1961-1981): SLAHLETLSH[Ser1971Thr]FILSLKNSEQ